The following is an entry in ClinVar:

NM_000440.3(PDE6A):c.1195G>C (p.Gly399Arg)

Gene: PDE6A (phosphodiesterase 6A; minus strand). Cytogenetic location: 5q32.
Variant type: single nucleotide variant.
Coding change: c.1195G>C on transcript NM_000440.3 (MANE Select); coding-DNA position 1195, G replaced by C.
Protein change: p.Gly399Arg; replaces glycine 399 with arginine.
Molecular consequence: missense variant.
Genome position (GRCh38, 1-based): chr5:149,899,443, C>G on the plus strand (G>C on the coding strand, the complement: PDE6A is on the minus strand). VCF-style: chr5-149899443-C-G. GRCh37 (hg19) VCF-style: chr5-149279006-C-G.
Other names: short protein forms G399R.
Identifiers: ClinVar variation 1001056 (VCV001001056.9), dbSNP rs1752884635, ClinGen allele CA361696863.
Genomic context (GRCh38, chr5:149,899,443, plus strand): 5'-GCGTCTCATCCATTTCATCAAAGGGCTTCCCATCTTTACGATTGTAAAATGTGGCCACTC[C>G]AACAATTTCTTCCTTCTTGTTCACAATCGGCATTGAAAGCACATTTTTAATCATCCATCC-3'
Protein context (NP_000431.2, residues 389-409): PIVNKKEEIV[Gly399Arg]VATFYNRKDG

ClinVar aggregate classification (germline): Uncertain significance (1 of 4 stars; one submission).

Submission:

Labcorp Genetics (formerly Invitae), Labcorp
Classification: Uncertain significance. Last evaluated: 2020-10-02. Review status: criteria provided, single submitter. Criteria: Invitae Variant Classification Sherloc (09022015). Collection method: clinical testing. Allele origin: germline.
Comment: In summary, the available evidence is currently insufficient to determine the role of this variant in disease. Therefore, it has been classified as a Variant of Uncertain Significance. Algorithms developed to predict the effect of missense changes on protein structure and function (SIFT, PolyPhen-2, Align-GVGD) all suggest that this variant is likely to be disruptive, but these predictions have not been confirmed by published functional studies and their clinical significance is uncertain. This variant has not been reported in the literature in individuals with PDE6A-related conditions. This variant is not present in population databases (ExAC no frequency). This sequence change replaces glycine with arginine at codon 399 of the PDE6A protein (p.Gly399Arg). The glycine residue is highly conserved and there is a moderate physicochemical difference between glycine and arginine.